The following is an entry in ClinVar:

ClinVar aggregate classification (germline): Uncertain significance (1 of 4 stars; one submission).

Conditions:
Immunodeficiency 36 with lymphoproliferation. Also called: ACTIVATED PI3K-DELTA SYNDROME 2; Immunodeficiency 36; Activated PI3K Delta Syndrome Type 2 (APDS2). Identifiers: Orphanet 397596, Orphanet 693681, MedGen C4014934, MONDO:0014453, OMIM 616005.
SHORT syndrome. Also called: LIPODYSTROPHY, PARTIAL, WITH RIEGER ANOMALY AND SHORT STATURE; PIK3R1-Related SHORT Syndrome; SHORT STATURE, HYPEREXTENSIBILITY, HERNIA, OCULAR DEPRESSION, RIEGER ANOMALY, AND TEETHING DELAY. Identifiers: Orphanet 3163, MedGen C0878684, MONDO:0010026, OMIM 269880.
Agammaglobulinemia 7, autosomal recessive (AGM7). Also called: AGAMMAGLOBULINEMIA, AUTOSOMAL RECESSIVE, DUE TO PIK3R1 DEFECT. Identifiers: MedGen C3554689, MONDO:0014083, OMIM 615214.

Allele frequency attached by ClinVar (database versions not stated): gnomAD exomes below 0.00001.
gnomAD v4.1: 1 of 1,598,432 alleles (0.000063%); highest among the groups gnomAD compares: South Asian, 0.0011%; no homozygotes.

Submission:

Labcorp Genetics (formerly Invitae), Labcorp
Classification: Uncertain significance for SHORT syndrome; Immunodeficiency 36 with lymphoproliferation; Agammaglobulinemia 7, autosomal recessive. Last evaluated: 2021-05-03. Review status: criteria provided, single submitter. Criteria: Invitae Variant Classification Sherloc (09022015). Collection method: clinical testing. Allele origin: germline.
Comment: Algorithms developed to predict the effect of missense changes on protein structure and function (SIFT, PolyPhen-2, Align-GVGD) all suggest that this variant is likely to be tolerated, but these predictions have not been confirmed by published functional studies and their clinical significance is uncertain. In summary, the available evidence is currently insufficient to determine the role of this variant in disease. Therefore, it has been classified as a Variant of Uncertain Significance. This variant has not been reported in the literature in individuals with PIK3R1-related conditions. This variant is not present in population databases (ExAC no frequency). This sequence change replaces asparagine with serine at codon 285 of the PIK3R1 protein (p.Asn285Ser). The asparagine residue is weakly conserved and there is a small physicochemical difference between asparagine and serine.

NM_181523.3(PIK3R1):c.854A>G (p.Asn285Ser)

Gene: PIK3R1 (phosphoinositide-3-kinase regulatory subunit 1; plus strand). Cytogenetic location: 5q13.1.
Variant type: single nucleotide variant.
Coding change: c.854A>G on transcript NM_181523.3 (MANE Select); coding-DNA position 854, A replaced by G.
Protein change: p.Asn285Ser; replaces asparagine 285 with serine.
Molecular consequence: missense variant.
Genome position (GRCh38, 1-based): chr5:68,280,944, A>G. VCF-style: chr5-68280944-A-G. GRCh37 (hg19) VCF-style: chr5-67576772-A-G.
Other names: short protein forms N285S.
Identifiers: ClinVar variation 1503032 (VCV001503032.8), dbSNP rs2112196978, ClinGen allele CA359875816.